The following is an entry in ClinVar:

NM_030773.4(TUBB1):c.58-2A>G

Gene: TUBB1 (tubulin beta 1 class VI; plus strand). Cytogenetic location: 20q13.32.
Variant type: single nucleotide variant.
Coding change: c.58-2A>G on transcript NM_030773.4 (MANE Select); the canonical splice acceptor site of the intron before coding-DNA position 58, A replaced by G.
Molecular consequence: splice acceptor variant.
Genome position (GRCh38, 1-based): chr20:59,022,843, A>G. VCF-style: chr20-59022843-A-G. GRCh37 (hg19) VCF-style: chr20-57597898-A-G.
Identifiers: ClinVar variation 2038538 (VCV002038538.4), dbSNP rs1361708566, ClinGen allele CA409466086.

ClinVar aggregate classification (germline): Uncertain significance (1 of 4 stars; one submission).

Allele frequency attached by ClinVar (database versions not stated): gnomAD 0.00001; gnomAD exomes 0.00001; TOPMed 0.00001.

Submission:

Labcorp Genetics (formerly Invitae), Labcorp
Classification: Uncertain significance. Last evaluated: 2023-10-13. Review status: criteria provided, single submitter. Criteria: Invitae Variant Classification Sherloc (09022015). Collection method: clinical testing. Allele origin: germline.
Comment: This sequence change affects an acceptor splice site in intron 1 of the TUBB1 gene. It is expected to disrupt RNA splicing. Variants that disrupt the donor or acceptor splice site typically lead to a loss of protein function (PMID: 16199547), however the current clinical and genetic evidence is not sufficient to establish whether loss-of-function variants in TUBB1 cause disease. This variant is present in population databases (no rsID available, gnomAD 0.002%). Disruption of this splice site has been observed in individual(s) with thrombocytopenia (PMID: 32757236). ClinVar contains an entry for this variant (Variation ID: 2038538). Algorithms developed to predict the effect of sequence changes on RNA splicing suggest that this variant may disrupt the consensus splice site. In summary, the available evidence is currently insufficient to determine the role of this variant in disease. Therefore, it has been classified as a Variant of Uncertain Significance.

Literature cited by the submitters: PubMed 16199547; PubMed 32757236.